The following is an entry in ClinVar:

NM_000368.5(TSC1):c.434A>C (p.Gln145Pro)

Gene: TSC1 (TSC complex subunit 1; minus strand). Cytogenetic location: 9q34.13.
Variant type: single nucleotide variant.
Coding change: c.434A>C on transcript NM_000368.5 (MANE Select); coding-DNA position 434, A replaced by C.
Protein change: p.Gln145Pro; replaces glutamine 145 with proline.
Molecular consequence: missense variant. On other transcripts: 5 prime UTR variant (5), non-coding transcript variant (5).
Genome position (GRCh38, 1-based): chr9:132,923,422, T>G on the plus strand (A>C on the coding strand, the complement: TSC1 is on the minus strand). VCF-style: chr9-132923422-T-G. GRCh37 (hg19) VCF-style: chr9-135798809-T-G.
Other names: c.434A>C, p.Gln145Pro (NM_001162426.2, NM_001406592.1, NM_001406593.1 and 16 more transcripts); c.281A>C, p.Gln94Pro (NM_001162427.2, NM_001406610.1, NM_001406611.1 and 2 more transcripts); c.71A>C, p.Gln24Pro (NM_001362177.2, NM_001406623.1, NM_001406624.1 and 10 more transcripts); c.-444A>C (NM_001406626.1, NM_001406627.1, NM_001406628.1); c.-586A>C (NM_001406629.1); c.-660A>C (NM_001406630.1); short protein forms Q24P, Q145P, Q94P.
Identifiers: ClinVar variation 2816077 (VCV002816077.5), dbSNP rs2132190023, ClinGen allele CA375373451.

ClinVar aggregate classification (germline): Uncertain significance. Review status: criteria provided, multiple submitters, no conflicts (2 of 4 stars). 2 submissions from 2 submitters: Uncertain significance (2). Last evaluated 2026-08-25.

Conditions:
Tuberous sclerosis 1 (TSC1). Identifiers: Orphanet 805, MedGen C1854465, MONDO:0008612, OMIM 191100.
Hereditary cancer-predisposing syndrome. Also called: Hereditary Cancer Syndrome; Hereditary neoplastic syndrome; Neoplastic Syndromes, Hereditary; Tumor predisposition. Identifiers: Orphanet 140162, MedGen C0027672, MeSH D009386, MONDO:0015356.

Submissions (2):

Ambry Genetics
Classification: Uncertain significance for Hereditary cancer-predisposing syndrome. Last evaluated: 2026-08-25. Review status: criteria provided, single submitter. Criteria: Ambry Variant Classification Scheme 2023. Collection method: clinical testing. Allele origin: germline.
Comment: The p.Q145P variant (also known as c.434A>C), located in coding exon 4 of the TSC1 gene, results from an A to C substitution at nucleotide position 434. The glutamine at codon 145 is replaced by proline, an amino acid with similar properties. This amino acid position is conserved. In addition, this alteration is predicted to be deleterious by in silico analysis. Based on the available evidence, the clinical significance of this variant remains unclear.

Labcorp Genetics (formerly Invitae), Labcorp
Classification: Uncertain significance for Tuberous sclerosis 1. Last evaluated: 2022-11-23. Review status: criteria provided, single submitter. Criteria: Invitae Variant Classification Sherloc (09022015). Collection method: clinical testing. Allele origin: germline.
Comment: In summary, the available evidence is currently insufficient to determine the role of this variant in disease. Therefore, it has been classified as a Variant of Uncertain Significance. Advanced modeling of protein sequence and biophysical properties (such as structural, functional, and spatial information, amino acid conservation, physicochemical variation, residue mobility, and thermodynamic stability) performed at Invitae indicates that this missense variant is not expected to disrupt TSC1 protein function. This variant has not been reported in the literature in individuals affected with TSC1-related conditions. This variant is not present in population databases (gnomAD no frequency). This sequence change replaces glutamine, which is neutral and polar, with proline, which is neutral and non-polar, at codon 145 of the TSC1 protein (p.Gln145Pro).